The following is an entry in ClinVar:

ClinVar aggregate classification (germline): Likely benign. Review status: criteria provided, multiple submitters, no conflicts (2 of 4 stars). 2 submissions from 2 submitters: Likely benign (2). Last evaluated 2023-12-23.

Conditions:
Noonan syndrome 9 (NS9). Identifiers: Orphanet 648, MedGen C4225282, MONDO:0014691, OMIM 616559.

Allele frequency attached by ClinVar (database versions not stated): gnomAD 0.00001 and 0.00002; gnomAD exomes 0.00001; TOPMed 0.00001; ExAC 0.00002; ESP Exome Variant Server 0.00008.
gnomAD v4.1: 13 of 1,614,112 alleles (0.00081%); highest among the groups gnomAD compares: African/African-American, 0.004%; no homozygotes.

Submissions (2):

Labcorp Genetics (formerly Invitae), Labcorp
Classification: Likely benign for Noonan syndrome 9. Last evaluated: 2023-12-23. Review status: criteria provided, single submitter. Criteria: Invitae Variant Classification Sherloc (09022015). Collection method: clinical testing. Allele origin: germline.

GeneDx
Classification: Likely benign. Last evaluated: 2017-10-20. Review status: criteria provided, single submitter. Criteria: GeneDx Variant Classification (06012015). Collection method: clinical testing. Allele origin: germline. Affected: yes.
Comment: This variant is considered likely benign or benign based on one or more of the following criteria: it is a conservative change, it occurs at a poorly conserved position in the protein, it is predicted to be benign by multiple in silico algorithms, and/or has population frequency not consistent with disease.

NM_006939.4(SOS2):c.3824A>G (p.Tyr1275Cys)

Gene: SOS2 (SOS Ras/Rho guanine nucleotide exchange factor 2; minus strand). Cytogenetic location: 14q21.3.
Variant type: single nucleotide variant.
Coding change: c.3824A>G on transcript NM_006939.4 (MANE Select); coding-DNA position 3824, A replaced by G.
Protein change: p.Tyr1275Cys; replaces tyrosine 1275 with cysteine.
Molecular consequence: missense variant.
Genome position (GRCh38, 1-based): chr14:50,118,519, T>C on the plus strand (A>G on the coding strand, the complement: SOS2 is on the minus strand). VCF-style: chr14-50118519-T-C. GRCh37 (hg19) VCF-style: chr14-50585237-T-C.
Other names: short protein forms Y1275C.
Identifiers: ClinVar variation 512472 (VCV000512472.4), dbSNP rs371619971, ClinGen allele CA7176697.